The following is an entry in ClinVar:

ClinVar aggregate classification (germline): Conflicting classifications of pathogenicity. Review status: criteria provided, conflicting classifications (1 of 4 stars). 3 submissions from 3 submitters: Likely pathogenic (1); Uncertain significance (2). Last evaluated 2025-07-25.

Conditions:
Mucopolysaccharidosis, MPS-IV-A (MPS4A). Also called: Morquio syndrome A, mild; MORQUIO SYNDROME A; GALACTOSAMINE-6-SULFATASE DEFICIENCY; GALNS DEFICIENCY; MORQUIO A DISEASE; Mucopolysaccharidosis type IV A. Identifiers: Orphanet 309297, Orphanet 582, MedGen C0086651, MONDO:0009659, OMIM 253000.

Allele frequency attached by ClinVar (database versions not stated): TOPMed below 0.00001.
gnomAD v4.1: 3 of 1,613,178 alleles (0.00019%); highest among the groups gnomAD compares: African/African-American, 0.0013%; no homozygotes.

Submissions (3):

Women's Health and Genetics/Laboratory Corporation of America, LabCorp
Classification: Uncertain significance. Last evaluated: 2025-07-25. Review status: criteria provided, single submitter. Criteria: LabCorp Variant Classification Summary - May 2015. Collection method: clinical testing. Allele origin: germline.
Comment: Variant summary: GALNS c.374C>A (p.Pro125Gln) results in a non-conservative amino acid change located in the Sulfatase, N-terminal domain (IPR000917) of the encoded protein sequence. Algorithms developed to predict the effect of missense changes on protein structure and function all suggest that this variant is likely to be disruptive. The variant was absent in 250910 control chromosomes (gnomAD). The available data on variant occurrences in the general population are insufficient to allow any conclusion about variant significance. To our knowledge, no occurrence of c.374C>A in individuals affected with Mucopolysaccharidosis Type IVA (Morquio Syndrome A) and no experimental evidence demonstrating its impact on protein function have been reported. ClinVar contains an entry for this variant (Variation ID: 1698516). Based on the evidence outlined above, the variant was classified as uncertain significance.

Labcorp Genetics (formerly Invitae), Labcorp
Classification: Likely pathogenic for Mucopolysaccharidosis, MPS-IV-A. Last evaluated: 2025-05-30. Review status: criteria provided, single submitter. Criteria: Invitae Variant Classification Sherloc (09022015). Collection method: clinical testing. Allele origin: germline.
Comment: This sequence change replaces proline, which is neutral and non-polar, with glutamine, which is neutral and polar, at codon 125 of the GALNS protein (p.Pro125Gln). This variant is not present in population databases (gnomAD no frequency). This variant has not been reported in the literature in individuals affected with GALNS-related conditions. ClinVar contains an entry for this variant (Variation ID: 1698516). Invitae Evidence Modeling of protein sequence and biophysical properties (such as structural, functional, and spatial information, amino acid conservation, physicochemical variation, residue mobility, and thermodynamic stability) indicates that this missense variant is expected to disrupt GALNS protein function with a positive predictive value of 95%. This variant disrupts the p.Pro125 amino acid residue in GALNS. Other variant(s) that disrupt this residue have been determined to be pathogenic (PMID: 9375852, 10814710, 15241807, 24035930, 30458289). This suggests that this residue is clinically significant, and that variants that disrupt this residue are likely to be disease-causing. In summary, the currently available evidence indicates that the variant is pathogenic, but additional data are needed to prove that conclusively. Therefore, this variant has been classified as Likely Pathogenic.

Neuberg Centre For Genomic Medicine, NCGM
Classification: Uncertain significance for Mucopolysaccharidosis, MPS-IV-A. Review status: criteria provided, single submitter. Criteria: ACMG Guidelines, 2015. Collection method: clinical testing. Allele origin: germline. Inheritance: Autosomal recessive inheritance. Affected: yes.

Literature cited by the submitters: PubMed 9375852 (cited by Labcorp Genetics (formerly Invitae), Labcorp); PubMed 10814710 (cited by Labcorp Genetics (formerly Invitae), Labcorp); PubMed 15241807 (cited by Labcorp Genetics (formerly Invitae), Labcorp); PubMed 24035930 (cited by Labcorp Genetics (formerly Invitae), Labcorp); PubMed 30458289 (cited by Labcorp Genetics (formerly Invitae), Labcorp).

NM_000512.5(GALNS):c.374C>A (p.Pro125Gln)

Gene: GALNS (galactosamine (N-acetyl)-6-sulfatase; minus strand). Cytogenetic location: 16q24.3.
Variant type: single nucleotide variant.
Coding change: c.374C>A on transcript NM_000512.5 (MANE Select); coding-DNA position 374, C replaced by A.
Protein change: p.Pro125Gln; replaces proline 125 with glutamine.
Molecular consequence: missense variant. On other transcripts: 5 prime UTR variant (1).
Genome position (GRCh38, 1-based): chr16:88,841,040, G>T on the plus strand (C>A on the coding strand, the complement: GALNS is on the minus strand). VCF-style: chr16-88841040-G-T. GRCh37 (hg19) VCF-style: chr16-88907448-G-T.
Other names: c.-182C>A (NM_001323543.2); c.392C>A, p.Pro131Gln (NM_001323544.2); short protein forms P125Q, P131Q.
Identifiers: ClinVar variation 1698516 (VCV001698516.6), dbSNP rs746949976, ClinGen allele CA397087982.